The following is an entry in ClinVar:

ClinVar aggregate classification (germline): Uncertain significance. Review status: criteria provided, multiple submitters, no conflicts (2 of 4 stars). 3 submissions from 3 submitters: Uncertain significance (2). 1 of the submissions does not count toward it. Last evaluated 2024-01-02.

Conditions:
Autosomal recessive limb-girdle muscular dystrophy type 2O. Also called: Limb-Girdle Muscular Dystrophy Type 3C; MUSCULAR DYSTROPHY-DYSTROGLYCANOPATHY, LIMB-GIRDLE, POMGNT1-RELATED; MUSCULAR DYSTROPHY-DYSTROGLYCANOPATHY (LIMB-GIRDLE), TYPE C, 3. Identifiers: Orphanet 206564, MedGen C3150417, MONDO:0013161, OMIM 613157.
Muscular dystrophy-dystroglycanopathy (congenital with impaired intellectual development), type B, 3. Also called: Muscular dystrophy-dystroglycanopathy (congenital with intellectual disability), type B3; MUSCULAR DYSTROPHY, CONGENITAL, POMGNT1-RELATED. Identifiers: MedGen C3150412, MONDO:0013155, OMIM 613151.
Muscle eye brain disease (MEB). Also called: Santavuori congenital muscular dystrophy. Identifiers: Orphanet 588, Orphanet 899, MedGen C0457133, MONDO:0018939.

Allele frequency attached by ClinVar (database versions not stated): gnomAD exomes 0.00002.
gnomAD v4.1: 18 of 1,614,130 alleles (0.0011%); highest among the groups gnomAD compares: Non-Finnish European, 0.0015%; no homozygotes.

Submissions (3):

Revvity Omics, Revvity
Classification: Uncertain significance. Last evaluated: 2024-01-02. Review status: criteria provided, single submitter. Criteria: ACMG Guidelines, 2015. Collection method: clinical testing. Allele origin: germline.

Labcorp Genetics (formerly Invitae), Labcorp
Classification: Uncertain significance for Autosomal recessive limb-girdle muscular dystrophy type 2O; Muscular dystrophy-dystroglycanopathy (congenital with impaired intellectual development), type B, 3. Last evaluated: 2022-08-09. Review status: criteria provided, single submitter. Criteria: Invitae Variant Classification Sherloc (09022015). Collection method: clinical testing. Allele origin: germline.
Comment: This sequence change replaces serine, which is neutral and polar, with threonine, which is neutral and polar, at codon 565 of the POMGNT1 protein (p.Ser565Thr). This variant is not present in population databases (gnomAD no frequency). This variant has not been reported in the literature in individuals affected with POMGNT1-related conditions. ClinVar contains an entry for this variant (Variation ID: 647385). Advanced modeling of protein sequence and biophysical properties (such as structural, functional, and spatial information, amino acid conservation, physicochemical variation, residue mobility, and thermodynamic stability) performed at Invitae indicates that this missense variant is not expected to disrupt POMGNT1 protein function. Algorithms developed to predict the effect of sequence changes on RNA splicing suggest that this variant may disrupt the consensus splice site. In summary, the available evidence is currently insufficient to determine the role of this variant in disease. Therefore, it has been classified as a Variant of Uncertain Significance.

Natera, Inc.
Classification: Uncertain significance for Muscle-eye-brain disease. Last evaluated: 2021-08-10. Review status: no assertion criteria provided. Collection method: clinical testing. Allele origin: germline. Not counted in ClinVar's aggregate classification.

NM_017739.4(POMGNT1):c.1693T>A (p.Ser565Thr)

Genes: POMGNT1 (protein O-linked mannose N-acetylglucosaminyltransferase 1 (beta 1,2-); minus strand), TSPAN1 (tetraspanin 1; plus strand). Cytogenetic location: 1p34.1.
Variant type: single nucleotide variant.
Coding change: c.1693T>A on transcript NM_017739.4 (MANE Select); coding-DNA position 1693, T replaced by A.
Protein change: p.Ser565Thr; replaces serine 565 with threonine.
Molecular consequence: missense variant.
Genome position (GRCh38, 1-based): chr1:46,189,946, A>T on the plus strand (T>A on the coding strand, the complement: POMGNT1 is on the minus strand). VCF-style: chr1-46189946-A-T. GRCh37 (hg19) VCF-style: chr1-46655618-A-T.
Other names: c.1693T>A, p.Ser565Thr (NM_001243766.2, NM_001410783.1); c.1627T>A, p.Ser543Thr (NM_001290129.3); c.1264T>A, p.Ser422Thr (NM_001290130.2); short protein forms S543T, S422T, S565T.
Identifiers: ClinVar variation 647385 (VCV000647385.9), dbSNP rs753688195, ClinGen allele CA21910669.